The following is an entry in ClinVar:

ClinVar aggregate classification (germline): Uncertain significance (1 of 4 stars; one submission).

Allele frequency attached by ClinVar (database versions not stated): ExAC 0.00006; gnomAD 0.00008; gnomAD exomes 0.00012; 1000 Genomes Project 30x 0.00047; 1000 Genomes Project 0.00060.
gnomAD v4.1: 187 of 1,614,022 alleles (0.012%); highest among the groups gnomAD compares: Non-Finnish European, 0.014%; no homozygotes.

Submission:

GeneDx
Classification: Uncertain significance. Last evaluated: 2023-04-21. Review status: criteria provided, single submitter. Criteria: GeneDx Variant Classification Process June 2021. Collection method: clinical testing. Allele origin: germline. Affected: yes.
Comment: In silico analysis supports that this missense variant has a deleterious effect on protein structure/function; Has not been previously published as pathogenic or benign to our knowledge; This variant is associated with the following publications: (PMID: 25810266)

NM_002204.4(ITGA3):c.1388G>A (p.Arg463Gln)

Gene: ITGA3 (integrin subunit alpha 3; plus strand). Cytogenetic location: 17q21.33.
Variant type: single nucleotide variant.
Coding change: c.1388G>A on transcript NM_002204.4 (MANE Select); coding-DNA position 1388, G replaced by A.
Protein change: p.Arg463Gln; replaces arginine 463 with glutamine.
Molecular consequence: missense variant.
Genome position (GRCh38, 1-based): chr17:50,074,453, G>A. VCF-style: chr17-50074453-G-A. GRCh37 (hg19) VCF-style: chr17-48151817-G-A.
Other names: short protein forms R463Q.
Identifiers: ClinVar variation 3252134 (VCV003252134.1), dbSNP rs185439534.